The following is an entry in ClinVar:

NM_002225.5(IVD):c.1224G>C (p.Glu408Asp)

Gene: IVD (isovaleryl-CoA dehydrogenase; plus strand). Cytogenetic location: 15q15.1.
Variant type: single nucleotide variant.
Coding change: c.1224G>C on transcript NM_002225.5 (MANE Select); coding-DNA position 1224, G replaced by C.
Protein change: p.Glu408Asp; replaces glutamic acid 408 with aspartic acid.
Molecular consequence: missense variant. On other transcripts: intron variant (3).
Genome position (GRCh38, 1-based): chr15:40,418,215, G>C. VCF-style: chr15-40418215-G-C. GRCh37 (hg19) VCF-style: chr15-40710414-G-C.
Other names: c.1134G>C, p.Glu378Asp (NM_001159508.3); c.1176G>C, p.Glu392Asp (NM_001354597.3); c.1311G>C, p.Glu437Asp (NM_001354599.3); c.1225+1853G>C (NM_001354600.3); c.1138+1853G>C (NM_001354598.3, NM_001354601.3); short protein forms E408D, E378D, E392D, E437D.
Identifiers: ClinVar variation 4996551 (VCV004996551.1).

ClinVar aggregate classification (germline): Uncertain significance (1 of 4 stars; one submission).

Conditions:
IVD-related disorder. Also called: IVD-related condition.

Submission:

PreventionGenetics, part of Exact Sciences
Classification: Uncertain significance for IVD-related condition. Last evaluated: 2025-12-15. Review status: criteria provided, single submitter. Criteria: ACMG Guidelines, 2015. Collection method: clinical testing. Allele origin: germline.
Comment: The IVD c.1233G>C variant is predicted to result in the amino acid substitution p.Glu411Asp. To our knowledge, this variant has not been reported in the literature or in a large population database (gnomAD), indicating this variant is rare. At this time, the clinical significance of this variant is uncertain due to the absence of conclusive functional and genetic evidence.